The following is an entry in ClinVar:

ClinVar aggregate classification (germline): Uncertain significance. Review status: criteria provided, multiple submitters, no conflicts (2 of 4 stars). 3 submissions from 3 submitters: Uncertain significance (3). Last evaluated 2024-08-01.

Conditions:
Hereditary cancer-predisposing syndrome. Also called: Hereditary Cancer Syndrome; Tumor predisposition; Neoplastic Syndromes, Hereditary; Hereditary neoplastic syndrome. Identifiers: Orphanet 140162, MedGen C0027672, MeSH D009386, MONDO:0015356.

Submissions (3):

GeneDx
Classification: Uncertain significance. Last evaluated: 2024-08-01. Review status: criteria provided, single submitter. Criteria: GeneDx Variant Classification Process June 2021. Collection method: clinical testing. Allele origin: germline. Affected: yes.
Comment: Not observed at significant frequency in large population cohorts (gnomAD); In silico analysis indicates that this variant does not alter splicing; Has not been previously published as pathogenic or benign to our knowledge

Labcorp Genetics (formerly Invitae), Labcorp
Classification: Uncertain significance. Last evaluated: 2024-04-02. Review status: criteria provided, single submitter. Criteria: Invitae Variant Classification Sherloc (09022015). Collection method: clinical testing. Allele origin: germline.
Comment: This sequence change falls in intron 3 of the MSH3 gene. It does not directly change the encoded amino acid sequence of the MSH3 protein. It affects a nucleotide within the consensus splice site. This variant is not present in population databases (gnomAD no frequency). This variant has not been reported in the literature in individuals affected with MSH3-related conditions. ClinVar contains an entry for this variant (Variation ID: 863233). Variants that disrupt the consensus splice site are a relatively common cause of aberrant splicing (PMID: 17576681, 9536098). Studies have shown that this variant is associated with inconclusive levels of altered splicing (Invitae). In summary, the available evidence is currently insufficient to determine the role of this variant in disease. Therefore, it has been classified as a Variant of Uncertain Significance.

Ambry Genetics
Classification: Uncertain significance for Hereditary cancer-predisposing syndrome. Last evaluated: 2021-06-20. Review status: criteria provided, single submitter. Criteria: Ambry Variant Classification Scheme 2023. Collection method: clinical testing. Allele origin: germline.
Comment: The c.579+3_579+4dupAT intronic variant results from a duplication of 2 nucleotide(s) after coding exon 3 of the MSH3 gene. This region is well conserved in available vertebrate species. In silico splice site analysis predicts that this alteration will not have any significant effect on splicing. Since supporting evidence is limited at this time, the clinical significance of this alteration remains unclear.

Literature cited by the submitters: PubMed 17576681 (cited by Labcorp Genetics (formerly Invitae), Labcorp); PubMed 9536098 (cited by Labcorp Genetics (formerly Invitae), Labcorp).

NM_002439.5(MSH3):c.579+3_579+4dup

Gene: MSH3 (mutS homolog 3; plus strand). Cytogenetic location: 5q14.1.
Variant type: Duplication.
Coding change: c.579+3_579+4dup on transcript NM_002439.5 (MANE Select); bases 3 to 4 of the intron after coding-DNA position 579, 2 bases duplicated (AT; older notation c.579+3_579+4dupAT).
Molecular consequence: splice donor variant.
Genome position (GRCh38, 1-based): chr5:80,665,366-80,665,367, AT duplicated; duplicating any 2 consecutive bases within chr5:80,665,365-80,665,367 gives the same sequence; the c. name uses the placement nearest the transcript's 3' end. VCF-style (leftmost placement, unchanged base first): chr5-80665364-G-GTA. GRCh37 (hg19) VCF-style: chr5-79961183-G-GTA.
Identifiers: ClinVar variation 863233 (VCV000863233.11), dbSNP rs1367866505, ClinGen allele CA814447563.